The following is an entry in ClinVar:

ClinVar aggregate classification (germline): Uncertain significance (1 of 4 stars; one submission).

Conditions:
Familial renal glucosuria (GLYS). Also called: RENAL GLUCOSURIA, AUTOSOMAL DOMINANT; Familial renal glycosuria. Identifiers: Orphanet 69076, MedGen C3245525, MONDO:0009297, OMIM 233100.

Submission:

MVZ Medizinische Genetik Mainz
Classification: Uncertain significance for Familial renal glucosuria. Last evaluated: 2026-09-15. Review status: criteria provided, single submitter. Criteria: UK Practice Guidelines For Variant Classification V4 01 2020. Collection method: clinical testing. Allele origin: germline. Inheritance: Autosomal recessive inheritance. Affected: yes. Observed: 1 variant allele.
Comment: ACMG Criteria: PM2_SUP

NM_003041.4(SLC5A2):c.1070C>A (p.Thr357Lys)

Gene: SLC5A2 (solute carrier family 5 member 2; plus strand). Cytogenetic location: 16p11.2.
Variant type: single nucleotide variant.
Coding change: c.1070C>A on transcript NM_003041.4 (MANE Select); coding-DNA position 1070, C replaced by A.
Protein change: p.Thr357Lys; replaces threonine 357 with lysine.
Molecular consequence: missense variant. On other transcripts: non-coding transcript variant (1).
Genome position (GRCh38, 1-based): chr16:31,488,431, C>A. VCF-style: chr16-31488431-C-A. GRCh37 (hg19) VCF-style: chr16-31499752-C-A.
Other names: short protein forms T357K.
Identifiers: ClinVar variation 5010184 (VCV005010184.1).
Genomic context (GRCh38, chr16:31,488,431, plus strand): 5'-TCTCTCTGGCAGACGAGGTGGCGTGCGTGGTGCCTGAGGTGTGCAGGCGCGTGTGCGGCA[C>A]GGAGGTGGGCTGCTCCAACATCGCCTACCCGCGGCTCGTCGTGAAGCTCATGCCCAACGG-3'
Protein context (NP_003032.1, residues 347-367): VPEVCRRVCG[Thr357Lys]EVGCSNIAYP